The following is an entry in ClinVar:

ClinVar aggregate classification (germline): not provided (0 of 4 stars; one submission).

Conditions:
Severe myoclonic epilepsy in infancy (DRVT). Also called: SEVERE MYOCLONIC EPILEPSY OF INFANCY; DEVELOPMENTAL AND EPILEPTIC ENCEPHALOPATHY 6A; Severe Myoclonic Epilepsy in Infancy (SMEI); Dravet syndrome; Epileptic encephalopathy, early infantile, 6 (Dravet syndrome). Identifiers: Orphanet 33069, MedGen C0751122, MONDO:0100135, OMIM 607208.

Submissions (2):

Channelopathy-Associated Epilepsy Research Center
No classification provided (evidence only). Condition: Severe myoclonic epilepsy in infancy. Review status: no classification provided. Collection method: literature only. Allele origin: not applicable. Functional consequence: Moderate decrease in peak current, Normal voltage dependence of activation, Normal slope of activation, Mild hyperpolarizing shift of voltage dependence of fast inactivation, Normal slope of fast inactivation, Slowing of recovery from fast inactivation, Normal fast inactivation, Normal persistent current, Slowing of entry into slow inactivation, Normal voltage dependence of slow inactivation, Increase in slope of slow inactivation, Slowing of recovery from slow inactivation, Decrease of decay in current amplitude in use dependence, Overall mixed or unclear functional effect with respect to biophysical channel activity. Not counted in ClinVar's aggregate classification.
ClinVar note: "not provided" was previously submitted as the classification for the variant. However, the classification appeared to be based only on an observation of functional data so it was converted to no classification on 2025-07-30.

UniProtKB/Swiss-Prot
No classification provided. Condition: Severe myoclonic epilepsy in infancy. Review status: no classification provided. Collection method: not provided. Allele origin: germline.
Comment: Intractable childhood epilepsy with generalized tonic-clonic seizures

Literature cited by the submitters: PubMed 16210358 (cited by Channelopathy-Associated Epilepsy Research Center).

NM_001165963.4(SCN1A):c.3032A>T (p.Asn1011Ile)

Gene: SCN1A (sodium voltage-gated channel alpha subunit 1; minus strand). Cytogenetic location: 2q24.3.
Variant type: single nucleotide variant.
Coding change: c.3032A>T on transcript NM_001165963.4 (MANE Select); coding-DNA position 3032, A replaced by T.
Protein change: p.Asn1011Ile; replaces asparagine 1011 with isoleucine.
Molecular consequence: missense variant. On other transcripts: non-coding transcript variant (1).
Genome position (GRCh38, 1-based): chr2:166,036,445, T>A on the plus strand (A>T on the coding strand, the complement: SCN1A is on the minus strand). VCF-style: chr2-166036445-T-A. GRCh37 (hg19) VCF-style: chr2-166892955-T-A.
Other names: c.2948A>T, p.Asn983Ile (NM_001165964.3, NM_001353957.2, NM_001353958.2); c.3032A>T, p.Asn1011Ile (NM_001202435.3, NM_001353948.2); c.2999A>T, p.Asn1000Ile (NM_001353949.2, NM_001353950.2, NM_001353951.2 and 2 more transcripts); c.2996A>T, p.Asn999Ile (NM_001353954.2, NM_001353955.2); c.2945A>T, p.Asn982Ile (NM_001353960.2); c.590A>T, p.Asn197Ile (NM_001353961.2); short protein forms N1000I, N1011I, N983I, N999I, N197I, N982I.
Identifiers: ClinVar variation 68612 (VCV000068612.3), dbSNP rs121918759, ClinGen allele CA285120.